The following is an entry in ClinVar:

NM_033629.6(TREX1):c.748dup (p.Thr250fs)

Genes: ATRIP (ATR interacting protein; plus strand), ATRIP-TREX1 (ATRIP-TREX1 readthrough; plus strand), TREX1 (three prime repair exonuclease 1; plus strand). Cytogenetic location: 3p21.31.
Variant type: Duplication.
Coding change: c.748dup on transcript NM_033629.6 (MANE Select); coding-DNA position 748, one base duplicated (A; older notation c.748dupA).
Protein change: p.Thr250fs; shifts the reading frame from threonine 250.
Molecular consequence: frameshift variant. On other transcripts: non-coding transcript variant (1), 3 prime UTR variant (4).
Genome position (GRCh38, 1-based): chr3:48,467,403, A duplicated; the last of 2 consecutive A bases (chr3:48,467,402-48,467,403); duplicating either gives the same sequence. VCF-style (leftmost placement, unchanged base first): chr3-48467401-C-CA. GRCh37 (hg19) VCF-style: chr3-48508800-C-CA.
Other names: c.718dup, p.Thr240fs (NM_007248.5); c.*1849dup (NM_001271022.2, NM_001271023.2, NM_032166.4 and 1 more transcripts); short protein forms T240fs, T250fs.
Identifiers: ClinVar variation 504468 (VCV000504468.2), dbSNP rs1553820461, ClinGen allele CA658796302.

ClinVar aggregate classification (germline): Likely pathogenic (1 of 4 stars; one submission).

Submission:

GeneDx
Classification: Likely pathogenic. Last evaluated: 2018-03-06. Review status: criteria provided, single submitter. Criteria: GeneDx Variant Classification (06012015). Collection method: clinical testing. Allele origin: germline. Affected: yes.
Comment: The c.748dupA variant in the TREX1 gene has not been reported previously as a pathogenic variant nor as a benign variant, to our knowledge. The c.748dupA variant causes a frameshift starting with codon Threonine 250, changes this amino acid to an Asparagine residue, and creates a premature Stop codon at position 12 of the new reading frame, denoted p.Thr250AsnfsX12. This variant is predicted to cause loss of normal protein function through protein truncation, as the last 65 amino acids are lost and replaced with 11 incorrect amino acids. The c.748dupA variant is not observed in large population cohorts (Lek et al., 2016). We interpret c.748dupA as a likely pathogenic variant.